The following is an entry in ClinVar:

ClinVar aggregate classification (germline): Uncertain significance (1 of 4 stars; one submission).

gnomAD v4.1: 1 of 1,614,004 alleles (0.000062%); highest among the groups gnomAD compares: Non-Finnish European, 0.000085%; no homozygotes.

Submission:

Labcorp Genetics (formerly Invitae), Labcorp
Classification: Uncertain significance. Last evaluated: 2025-01-06. Review status: criteria provided, single submitter. Criteria: Invitae Variant Classification Sherloc (09022015). Collection method: clinical testing. Allele origin: germline.
Comment: This sequence change replaces glycine, which is neutral and non-polar, with glutamic acid, which is acidic and polar, at codon 964 of the NBAS protein (p.Gly964Glu). This variant is not present in population databases (gnomAD no frequency). This variant has not been reported in the literature in individuals affected with NBAS-related conditions. Invitae Evidence Modeling of protein sequence and biophysical properties (such as structural, functional, and spatial information, amino acid conservation, physicochemical variation, residue mobility, and thermodynamic stability) indicates that this missense variant is not expected to disrupt NBAS protein function with a negative predictive value of 95%. In summary, the available evidence is currently insufficient to determine the role of this variant in disease. Therefore, it has been classified as a Variant of Uncertain Significance.

NM_015909.4(NBAS):c.2891G>A (p.Gly964Glu)

Gene: NBAS (NBAS subunit of NRZ tethering complex; minus strand). Cytogenetic location: 2p24.3.
Variant type: single nucleotide variant.
Coding change: c.2891G>A on transcript NM_015909.4 (MANE Select); coding-DNA position 2891, G replaced by A.
Protein change: p.Gly964Glu; replaces glycine 964 with glutamic acid.
Molecular consequence: missense variant. On other transcripts: non-coding transcript variant (1).
Genome position (GRCh38, 1-based): chr2:15,415,592, C>T on the plus strand (G>A on the coding strand, the complement: NBAS is on the minus strand). VCF-style: chr2-15415592-C-T. GRCh37 (hg19) VCF-style: chr2-15555716-C-T.
Other names: short protein forms G964E.
Identifiers: ClinVar variation 3605230 (VCV003605230.2).